The following is an entry in ClinVar:

NM_012330.4(KAT6B):c.3217G>T (p.Glu1073Ter)

Gene: KAT6B (lysine acetyltransferase 6B; plus strand). Cytogenetic location: 10q22.2.
Variant type: single nucleotide variant.
Coding change: c.3217G>T on transcript NM_012330.4 (MANE Select); coding-DNA position 3217, G replaced by T.
Protein change: p.Glu1073Ter; replaces glutamic acid 1073 with a stop codon.
Molecular consequence: nonsense.
Genome position (GRCh38, 1-based): chr10:75,022,076, G>T. VCF-style: chr10-75022076-G-T. GRCh37 (hg19) VCF-style: chr10-76781834-G-T.
Other names: c.2668G>T, p.Glu890Ter (NM_001256468.2, NM_001370138.1); c.2341G>T, p.Glu781Ter (NM_001256469.2, NM_001370139.1, NM_001370140.1 and 2 more transcripts); c.2179G>T, p.Glu727Ter (NM_001370132.1); c.1528G>T, p.Glu510Ter (NM_001370133.1); c.1132G>T, p.Glu378Ter (NM_001370134.1); c.874G>T, p.Glu292Ter (NM_001370135.1); c.3217G>T, p.Glu1073Ter (NM_001370136.1, NM_001370137.1); c.2152G>T, p.Glu718Ter (NM_001370143.1, NM_001370144.1); short protein forms E1073*, E292*, E378*, E510*, E718*, E727*, E781*, E890*.
Identifiers: ClinVar variation 1335042 (VCV001335042.37), dbSNP rs761860621, ClinGen allele CA377284192.

ClinVar aggregate classification (germline): Pathogenic. Review status: criteria provided, multiple submitters, no conflicts (2 of 4 stars). 2 submissions from 2 submitters: Pathogenic (2). Last evaluated 2023-12-21.

Conditions:
Blepharophimosis - intellectual disability syndrome, SBBYS type (SBBYSS). Also called: SBBYSS syndrome; Say-Barber-Biesecker-Young-Simpson syndrome; Say-Barber-Biesecker-Young-Simpson variant of Ohdo Syndrome; Say-Barber-Biesecker Variant of Ohdo Syndrome; Say-Barber-Biesecker variant of Ohdo syndrome (SBBYSS); Ohdo syndrome, SBBYS variant. Identifiers: Orphanet 3047, MedGen C1863557, MONDO:0011365, OMIM 603736.

Submissions (2):

Victorian Clinical Genetics Services, Murdoch Childrens Research Institute
Classification: Pathogenic for Blepharophimosis - intellectual disability syndrome, SBBYS type. Last evaluated: 2023-12-21. Review status: criteria provided, single submitter. Criteria: ACMG Guidelines, 2015. Collection method: clinical testing. Allele origin: germline. Inheritance: Autosomal dominant inheritance.
Comment: Based on the classification scheme VCGS_Germline_v1.3.4, this variant is classified as Pathogenic. Following criteria are met: 0103 - Loss of function and gain of function are likely mechanisms of disease in this gene and are associated with Say-Barber-Biesecker-Young-Simpson syndrome (SBBYSS) (MIM#603736) and Genitopatellar syndrome (MIM#606170), respectively. NMD-predicted variants have a loss of function mechanism, and cause SBBYSS. Truncating variants (PTVs) found in the last exon have been reported with both conditions, and are likely to have both a loss- and gain of function effect. PTVs found in the proximal end of the final exon have been reported in patients with Genitopatellar syndrome, while PTVs in the terminal end of the final exon have SBBYSS (PMID: 22715153, PMID: 32424177). (I) 0107 - This gene is associated with autosomal dominant disease. (I) 0201 - Variant is predicted to cause nonsense-mediated decay (NMD) and loss of protein (premature termination codon is located at least 54 nucleotides upstream of the final exon-exon junction). (SP) 0251 - This variant is heterozygous. (I) 0301 - Variant is absent from gnomAD (both v2 and v3). (SP) 0701 - Other NMD-predicted variants comparable to the one identified in this case have very strong previous evidence for pathogenicity. These variants have been reported many times as pathogenic, and observed in patients with SBBYSS (DECIPHER, PMID: 32424177). (SP) 0807 - This variant has no previous evidence of pathogenicity. (I) 0905 - No published segregation evidence has been identified for this variant. (I) 1007 - No published functional evidence has been identified for this variant. (SP) Legend: (SP) - Supporting pathogenic, (I) - Information, (SB) - Supporting benign

CeGaT Center for Human Genetics Tuebingen
Classification: Pathogenic. Last evaluated: 2021-11-01. Review status: criteria provided, single submitter. Criteria: CeGaT Center For Human Genetics Tuebingen Variant Classification Criteria Version 2. Collection method: clinical testing. Allele origin: germline. Affected: yes. Observed: 1 variant allele.

Literature cited by the submitters: PubMed 22715153 (cited by Victorian Clinical Genetics Services, Murdoch Childrens Research Institute); PubMed 32424177 (cited by Victorian Clinical Genetics Services, Murdoch Childrens Research Institute).